The following is an entry in ClinVar:

NM_001394998.1(TANC2):c.2412G>C (p.Gly804=)

Gene: TANC2 (tetratricopeptide repeat, ankyrin repeat and coiled-coil containing 2; plus strand). Cytogenetic location: 17q23.3.
Variant type: single nucleotide variant.
Coding change: c.2412G>C on transcript NM_001394998.1 (MANE Select); coding-DNA position 2412, G replaced by C.
Protein change: p.Gly804=; no amino-acid change (glycine 804 retained).
Molecular consequence: synonymous variant.
Genome position (GRCh38, 1-based): chr17:63,355,220, G>C. VCF-style: chr17-63355220-G-C. GRCh37 (hg19) VCF-style: chr17-61432581-G-C.
Other names: c.2190G>C, p.Gly730= (NM_001411076.1, NM_025185.4).
Identifiers: ClinVar variation 2648054 (VCV002648054.24), dbSNP rs2510100779, ClinGen allele CA501340031.

ClinVar aggregate classification (germline): Likely benign (1 of 4 stars; one submission).

Submission:

CeGaT Center for Human Genetics Tuebingen
Classification: Likely benign. Last evaluated: 2023-11-01. Review status: criteria provided, single submitter. Criteria: CeGaT Center For Human Genetics Tuebingen Variant Classification Criteria Version 2. Collection method: clinical testing. Allele origin: germline. Affected: yes. Observed: 1 variant allele.
Comment: TANC2: PM2:Supporting, BP4, BP7